The following is an entry in ClinVar:

ClinVar aggregate classification (germline): Uncertain significance (1 of 4 stars; one submission).

Conditions:
Hermansky-Pudlak syndrome 2 (HPS2). Also called: Platelet defects and oculocutaneous albinism. Identifiers: Orphanet 183678, Orphanet 79430, MedGen C1842362, MONDO:0011997, OMIM 608233.

Allele frequency attached by ClinVar (database versions not stated): TOPMed below 0.00001; gnomAD exomes 0.00001 and 0.00005; ExAC 0.00003.
gnomAD v4.1: 79 of 1,609,374 alleles (0.0049%); highest among the groups gnomAD compares: Non-Finnish European, 0.0065%; no homozygotes.

Submission:

Labcorp Genetics (formerly Invitae), Labcorp
Classification: Uncertain significance for Hermansky-Pudlak syndrome 2. Last evaluated: 2021-03-20. Review status: criteria provided, single submitter. Criteria: Invitae Variant Classification Sherloc (09022015). Collection method: clinical testing. Allele origin: germline.
Comment: In summary, the available evidence is currently insufficient to determine the role of this variant in disease. Therefore, it has been classified as a Variant of Uncertain Significance. Algorithms developed to predict the effect of missense changes on protein structure and function are either unavailable or do not agree on the potential impact of this missense change (SIFT: "Tolerated"; PolyPhen-2: "Possibly Damaging"; Align-GVGD: "Class C0"). This variant has not been reported in the literature in individuals with AP3B1-related conditions. This variant is present in population databases (rs751538828, ExAC 0.007%). This sequence change replaces aspartic acid with asparagine at codon 777 of the AP3B1 protein (p.Asp777Asn). The aspartic acid residue is weakly conserved and there is a small physicochemical difference between aspartic acid and asparagine.

NM_003664.5(AP3B1):c.2329G>A (p.Asp777Asn)

Gene: AP3B1 (adaptor related protein complex 3 subunit beta 1; minus strand). Cytogenetic location: 5q14.1.
Variant type: single nucleotide variant.
Coding change: c.2329G>A on transcript NM_003664.5 (MANE Select); coding-DNA position 2329, G replaced by A.
Protein change: p.Asp777Asn; replaces aspartic acid 777 with asparagine.
Molecular consequence: missense variant.
Genome position (GRCh38, 1-based): chr5:78,110,275, C>T on the plus strand (G>A on the coding strand, the complement: AP3B1 is on the minus strand). VCF-style: chr5-78110275-C-T. GRCh37 (hg19) VCF-style: chr5-77406099-C-T.
Other names: c.2182G>A, p.Asp728Asn (NM_001271769.2); short protein forms D728N, D777N.
Identifiers: ClinVar variation 1012088 (VCV001012088.6), dbSNP rs751538828, ClinGen allele CA3316801.